The following is an entry in ClinVar:

ClinVar aggregate classification (germline): Uncertain significance (1 of 4 stars; one submission).

Conditions:
Developmental and epileptic encephalopathy, 1 (DEE1). Also called: X-linked infantile spasms; West's syndrome; Tonic spasms with clustering, arrest of psychomotor development and hypsarrhythmia on EEG; X-Linked Infantile Spasm Syndrome; OHTAHARA SYNDROME, X-LINKED; INFANTILE SPASM SYNDROME, X-LINKED 1. Identifiers: MedGen C3463992, MONDO:0010632, OMIM 308350. Disease mechanism: loss of function.
Intellectual disability, X-linked, with or without seizures, ARX-related. Also called: MENTAL RETARDATION, X-LINKED 29; MENTAL RETARDATION, X-LINKED 32; MENTAL RETARDATION, X-LINKED 33; MENTAL RETARDATION, X-LINKED 38; MENTAL RETARDATION, X-LINKED 43; MENTAL RETARDATION, X-LINKED 76. Identifiers: Orphanet 777, MedGen C0796244, MONDO:0010317, OMIM 300419.

Submission:

Labcorp Genetics (formerly Invitae), Labcorp
Classification: Uncertain significance for Developmental and epileptic encephalopathy, 1; Intellectual disability, X-linked, with or without seizures, ARX-related. Last evaluated: 2022-06-13. Review status: criteria provided, single submitter. Criteria: Invitae Variant Classification Sherloc (09022015). Collection method: clinical testing. Allele origin: germline.
Comment: In summary, the available evidence is currently insufficient to determine the role of this variant in disease. Therefore, it has been classified as a Variant of Uncertain Significance. This variant has not been reported in the literature in individuals affected with ARX-related conditions. This variant is not present in population databases (gnomAD no frequency). This sequence change creates a premature translational stop signal (p.Glu541*) in the ARX gene. While this is not anticipated to result in nonsense mediated decay, it is expected to disrupt the last 22 amino acid(s) of the ARX protein.

NM_139058.3(ARX):c.1621G>T (p.Glu541Ter)

Gene: ARX (aristaless related homeobox; minus strand). Cytogenetic location: Xp21.3.
Variant type: single nucleotide variant.
Coding change: c.1621G>T on transcript NM_139058.3 (MANE Select); coding-DNA position 1621, G replaced by T.
Protein change: p.Glu541Ter; replaces glutamic acid 541 with a stop codon.
Molecular consequence: nonsense.
Genome position (GRCh38, 1-based): chrX:25,004,738, C>A on the plus strand (G>T on the coding strand, the complement: ARX is on the minus strand). VCF-style: chrX-25004738-C-A. GRCh37 (hg19) VCF-style: chrX-25022855-C-A.
Other names: short protein forms E541*.
Identifiers: ClinVar variation 1507271 (VCV001507271.8), dbSNP rs938274319, ClinGen allele CA412610631.